The following is an entry in ClinVar:

NM_007126.5(VCP):c.892C>T (p.Pro298Ser)

Gene: VCP (valosin containing protein; minus strand). Cytogenetic location: 9p13.3.
Variant type: single nucleotide variant.
Coding change: c.892C>T on transcript NM_007126.5 (MANE Select); coding-DNA position 892, C replaced by T.
Protein change: p.Pro298Ser; replaces proline 298 with serine.
Molecular consequence: missense variant.
Genome position (GRCh38, 1-based): chr9:35,062,270, G>A on the plus strand (C>T on the coding strand, the complement: VCP is on the minus strand). VCF-style: chr9-35062270-G-A. GRCh37 (hg19) VCF-style: chr9-35062267-G-A.
Other names: c.757C>T, p.Pro253Ser (NM_001354927.2, NM_001354928.2); short protein forms P253S, P298S.
Identifiers: ClinVar variation 2575609 (VCV002575609.1), dbSNP rs2490358018, ClinGen allele CA373285842.

ClinVar aggregate classification (germline): Uncertain significance (1 of 4 stars; one submission).

Submission:

GeneDx
Classification: Uncertain significance. Last evaluated: 2023-02-09. Review status: criteria provided, single submitter. Criteria: GeneDx Variant Classification Process June 2021. Collection method: clinical testing. Allele origin: germline. Affected: yes.
Comment: Not observed at significant frequency in large population cohorts (gnomAD); In silico analysis supports that this missense variant has a deleterious effect on protein structure/function; Has not been previously published as pathogenic or benign to our knowledge.